The following is an entry in ClinVar:

ClinVar aggregate classification (germline): Likely benign (1 of 4 stars; one submission).

Conditions:
Focal segmental glomerulosclerosis 1 (FSGS1). Identifiers: Orphanet 656, MedGen C4551527, MONDO:0011303, OMIM 603278.

gnomAD v4.1: 1 of 1,613,672 alleles (0.000062%); highest among the groups gnomAD compares: South Asian, 0.0011%; no homozygotes.

Submission:

Centre for Medical Genetics,  Mumbai
Classification: Likely benign for Focal segmental glomerulosclerosis 1. Last evaluated: 2026-03-16. Review status: criteria provided, single submitter. Criteria: ACMG Guidelines, 2015. Collection method: provider interpretation. Allele origin: germline. Inheritance: Autosomal dominant inheritance. Affected: no. Observed: 1 variant allele, 1 homozygote.
Comment: The variant satisfies PM2 criteria; Extremely low frequency in gnomAD population databases. The variant satisfies PP2 criteria; Missense variant in a gene with low rate of benign missense mutations and for which missense mutation is a common mechanism of a disease. The variant satisfies BP4 criteria; For a missense or a splice region variant, computational prediction tools unanimously support a benign effect on the gene. However, the variant satisfies BS2 criteria.

Literature cited by the submitters: PubMed 10700177.

NM_004924.6(ACTN4):c.1590C>A (p.His530Gln)

Gene: ACTN4 (actinin alpha 4; plus strand). Cytogenetic location: 19q13.2.
Variant type: single nucleotide variant.
Coding change: c.1590C>A on transcript NM_004924.6 (MANE Select); coding-DNA position 1590, C replaced by A.
Protein change: p.His530Gln; replaces histidine 530 with glutamine.
Molecular consequence: missense variant.
Genome position (GRCh38, 1-based): chr19:38,723,975, C>A. VCF-style: chr19-38723975-C-A. GRCh37 (hg19) VCF-style: chr19-39214615-C-A.
Other names: c.1590C>A, p.His530Gln (NM_001322033.2, NM_001411143.1, NM_001440296.1 and 2 more transcripts); c.1338C>A, p.His446Gln (NM_001440299.1); short protein forms H446Q, H530Q.
Identifiers: ClinVar variation 4819542 (VCV004819542.1).